The following is an entry in ClinVar:

ClinVar aggregate classification (germline): Likely benign (1 of 4 stars; one submission).

Conditions:
Malignant hyperthermia, susceptibility to, 5 (MHS5). Also called: CACNA1S-Related Malignant Hyperthermia Susceptibility. Identifiers: Orphanet 423, MedGen C1866077, MONDO:0011163, OMIM 601887.

gnomAD v4.1: 1 of 1,613,896 alleles (0.000062%); highest among the groups gnomAD compares: Non-Finnish European, 0.000085%; no homozygotes.

Submission:

All of Us Research Program, National Institutes of Health
Classification: Likely benign for Malignant hyperthermia, susceptibility to, 5. Last evaluated: 2023-11-20. Review status: criteria provided, single submitter. Criteria: ACMG Guidelines, 2015. Collection method: clinical testing. Allele origin: germline. Inheritance: Autosomal dominant inheritance. Observed: 1 variant allele, 1 heterozygote.
Comment: This study involves interpretation of variants in research participants for the purpose of population health screening. Participant phenotype was not available at the time of variant classification. Additional details can be found in publication PMID: 35346344, PMCID: PMC8962531

NM_000069.3(CACNA1S):c.2739G>A (p.Gly913=)

Gene: CACNA1S (calcium voltage-gated channel subunit alpha1 S; minus strand). Cytogenetic location: 1q32.1.
Variant type: single nucleotide variant.
Coding change: c.2739G>A on transcript NM_000069.3 (MANE Select); coding-DNA position 2739, G replaced by A.
Protein change: p.Gly913=; no amino-acid change (glycine 913 retained).
Molecular consequence: synonymous variant.
Genome position (GRCh38, 1-based): chr1:201,066,235, C>T on the plus strand (G>A on the coding strand, the complement: CACNA1S is on the minus strand). VCF-style: chr1-201066235-C-T. GRCh37 (hg19) VCF-style: chr1-201035363-C-T.
Identifiers: ClinVar variation 3074707 (VCV003074707.1), dbSNP rs945776492, ClinGen allele CA422686852.